The following is an entry in ClinVar:

ClinVar aggregate classification (germline): Uncertain significance (1 of 4 stars; one submission).

Conditions:
Maple syrup urine disease (MSUD). Identifiers: Orphanet 511, MedGen C0024776, MeSH D008375, MONDO:0009563. Disease mechanism: loss of function.

Allele frequency attached by ClinVar (database versions not stated): ExAC 0.00001; gnomAD 0.00001; gnomAD exomes 0.00001; TOPMed 0.00002.
gnomAD v4.1: 7 of 1,614,024 alleles (0.00043%); highest among the groups gnomAD compares: Admixed American, 0.0083%; no homozygotes.

Submission:

Labcorp Genetics (formerly Invitae), Labcorp
Classification: Uncertain significance for Maple syrup urine disease. Last evaluated: 2025-09-02. Review status: criteria provided, single submitter. Criteria: Invitae Variant Classification Sherloc (09022015). Collection method: clinical testing. Allele origin: germline.
Comment: This sequence change replaces isoleucine, which is neutral and non-polar, with valine, which is neutral and non-polar, at codon 68 of the BCKDHA protein (p.Ile68Val). This variant is present in population databases (rs777414203, gnomAD 0.006%). This variant has not been reported in the literature in individuals affected with BCKDHA-related conditions. ClinVar contains an entry for this variant (Variation ID: 2157258). Invitae Evidence Modeling of protein sequence and biophysical properties (such as structural, functional, and spatial information, amino acid conservation, physicochemical variation, residue mobility, and thermodynamic stability) has been performed for this missense variant. However, the output from this modeling did not meet the statistical confidence thresholds required to predict the impact of this variant on BCKDHA protein function. In summary, the available evidence is currently insufficient to determine the role of this variant in disease. Therefore, it has been classified as a Variant of Uncertain Significance.

NM_000709.4(BCKDHA):c.202A>G (p.Ile68Val)

Gene: BCKDHA (branched chain keto acid dehydrogenase E1 subunit alpha; plus strand). Cytogenetic location: 19q13.2.
Variant type: single nucleotide variant.
Coding change: c.202A>G on transcript NM_000709.4 (MANE Select); coding-DNA position 202, A replaced by G.
Protein change: p.Ile68Val; replaces isoleucine 68 with valine.
Molecular consequence: missense variant.
Genome position (GRCh38, 1-based): chr19:41,410,730, A>G. VCF-style: chr19-41410730-A-G. GRCh37 (hg19) VCF-style: chr19-41916635-A-G.
Other names: c.202A>G, p.Ile68Val (NM_001164783.2); short protein forms I68V.
Identifiers: ClinVar variation 2157258 (VCV002157258.2), dbSNP rs777414203, ClinGen allele CA9461023.